The following is an entry in ClinVar:

NM_005883.3(APC2):c.4626G>A (p.Pro1542=)

Gene: APC2 (APC regulator of Wnt signaling pathway 2; plus strand). Cytogenetic location: 19p13.3.
Variant type: single nucleotide variant.
Coding change: c.4626G>A on transcript NM_005883.3 (MANE Select); coding-DNA position 4626, G replaced by A.
Protein change: p.Pro1542=; no amino-acid change (proline 1542 retained).
Molecular consequence: synonymous variant.
Genome position (GRCh38, 1-based): chr19:1,467,927, G>A. VCF-style: chr19-1467927-G-A. GRCh37 (hg19) VCF-style: chr19-1467926-G-A.
Other names: c.4623G>A, p.Pro1541= (NM_001351273.1).
Identifiers: ClinVar variation 2052979 (VCV002052979.29), dbSNP rs111699814, ClinGen allele CA9045874.
Genomic context (GRCh38, chr19:1,467,927, plus strand): 5'-GCCCACGCCAACCCACCGGCGCACATCGGCCATCCCTCGCGCTTTTACGCGGGAGCGTCC[G>A]CAGGGCCGGAAGGAGGCCCCTGCCCCGTCCAAGGCTGCACCAGCTGCCCCGCCGCCCGCC-3'
Protein context (NP_005874.1, residues 1532-1552): AIPRAFTRER[Pro1542=]QGRKEAPAPS

ClinVar aggregate classification (germline): Benign/Likely benign. Review status: criteria provided, multiple submitters, no conflicts (2 of 4 stars). 3 submissions from 3 submitters: Benign (1); Likely benign (2). Last evaluated 2026-09-01.

Allele frequency attached by ClinVar (database versions not stated): ESP Exome Variant Server 0.00068; 1000 Genomes Project 30x 0.00109.
gnomAD v4.1: 1,663 of 1,584,704 alleles (0.1%); highest among the groups gnomAD compares: South Asian, 0.16%; 6 homozygotes.

Submissions (3):

CeGaT Center for Human Genetics Tuebingen
Classification: Likely benign. Last evaluated: 2026-09-01. Review status: criteria provided, single submitter. Criteria: CeGaT Center For Human Genetics Tuebingen Variant Classification Criteria Version 2. Collection method: clinical testing. Allele origin: germline. Affected: yes. Observed: 4 variant alleles.
Comment: APC2: BP4, BP7

Labcorp Genetics (formerly Invitae), Labcorp
Classification: Benign. Last evaluated: 2025-10-15. Review status: criteria provided, single submitter. Criteria: Invitae Variant Classification Sherloc (09022015). Collection method: clinical testing. Allele origin: germline.

Blueprint Genetics
Classification: Likely benign. Last evaluated: 2024-11-21. Review status: criteria provided, single submitter. Criteria: ACMG Guidelines, 2015. Collection method: clinical testing. Allele origin: germline.